The following is an entry in ClinVar:

ClinVar aggregate classification (germline): Likely pathogenic (1 of 4 stars; one submission).

Conditions:
Spermatogenic failure 33. Identifiers: MedGen C4748395, MONDO:0029147, OMIM 618152.

gnomAD v4.1: 1 of 1,552,934 alleles (0.000064%); highest among the groups gnomAD compares: Non-Finnish European, 0.000086%; no homozygotes.

Submission:

First Genomix Gene Laboratory, Genetic Diagnostics Department
Classification: Likely pathogenic for Spermatogenic failure 33. Last evaluated: 2025-08-05. Review status: criteria provided, single submitter. Criteria: ACMG Guidelines, 2015. Collection method: clinical testing. Allele origin: germline. Inheritance: Autosomal recessive inheritance. Affected: no. Observed: 1 variant allele.

NM_144668.6(CFAP251):c.-20-2A>C

Gene: CFAP251 (cilia and flagella associated protein 251; plus strand). Cytogenetic location: 12q24.31.
Variant type: single nucleotide variant.
Coding change: c.-20-2A>C on transcript NM_144668.6 (MANE Select); the canonical splice acceptor site of the intron before 20 bases upstream of the start codon, A replaced by C.
Molecular consequence: splice acceptor variant.
Genome position (GRCh38, 1-based): chr12:121,921,284, A>C. VCF-style: chr12-121921284-A-C. GRCh37 (hg19) VCF-style: chr12-122359190-A-C.
Other names: c.-20-2A>C (NM_001178003.2).
Identifiers: ClinVar variation 4850589 (VCV004850589.1).